The following is an entry in ClinVar:

ClinVar aggregate classification (germline): Uncertain significance (1 of 4 stars; one submission).

Allele frequency attached by ClinVar (database versions not stated): gnomAD exomes 0.00001.

Submission:

Labcorp Genetics (formerly Invitae), Labcorp
Classification: Uncertain significance. Last evaluated: 2023-05-08. Review status: criteria provided, single submitter. Criteria: Invitae Variant Classification Sherloc (09022015). Collection method: clinical testing. Allele origin: germline.
Comment: In summary, the available evidence is currently insufficient to determine the role of this variant in disease. Therefore, it has been classified as a Variant of Uncertain Significance. Algorithms developed to predict the effect of missense changes on protein structure and function output the following: SIFT: "Not Available"; PolyPhen-2: "Benign"; Align-GVGD: "Not Available". The isoleucine amino acid residue is found in multiple mammalian species, which suggests that this missense change does not adversely affect protein function. ClinVar contains an entry for this variant (Variation ID: 1361821). This variant has not been reported in the literature in individuals affected with MRPS34-related conditions. This variant is present in population databases (no rsID available, gnomAD 0.002%). This sequence change replaces methionine, which is neutral and non-polar, with isoleucine, which is neutral and non-polar, at codon 180 of the MRPS34 protein (p.Met180Ile).

NM_023936.2(MRPS34):c.519G>C (p.Met173Ile)

Gene: MRPS34 (mitochondrial ribosomal protein S34; minus strand). Cytogenetic location: 16p13.3.
Variant type: single nucleotide variant.
Coding change: c.519G>C on transcript NM_023936.2 (MANE Select); coding-DNA position 519, G replaced by C.
Protein change: p.Met173Ile; replaces methionine 173 with isoleucine.
Molecular consequence: missense variant.
Genome position (GRCh38, 1-based): chr16:1,772,359, C>G on the plus strand (G>C on the coding strand, the complement: MRPS34 is on the minus strand). VCF-style: chr16-1772359-C-G. GRCh37 (hg19) VCF-style: chr16-1822360-C-G.
Other names: c.540G>C, p.Met180Ile (NM_001300900.2); short protein forms M180I, M173I.
Identifiers: ClinVar variation 1361821 (VCV001361821.8), dbSNP rs1173682229, ClinGen allele CA394242818.